The following is an entry in ClinVar:

NM_000254.3(MTR):c.1515+26C>T

Gene: MTR (5-methyltetrahydrofolate-homocysteine methyltransferase; plus strand). Cytogenetic location: 1q43.
Variant type: single nucleotide variant.
Coding change: c.1515+26C>T on transcript NM_000254.3 (MANE Select); 26 bases into the intron after coding-DNA position 1515, C replaced by T.
Molecular consequence: intron variant.
Genome position (GRCh38, 1-based): chr1:236,838,625, C>T. VCF-style: chr1-236838625-C-T. GRCh37 (hg19) VCF-style: chr1-237001925-C-T.
Other names: p.?; c.1515+26C>T (NM_001291939.1, NM_001410942.1); c.294+26C>T (NM_001291940.2).
Identifiers: ClinVar variation 4684357 (VCV004684357.1).

ClinVar aggregate classification (germline): Likely benign (1 of 4 stars; one submission).

gnomAD v4.1: 19 of 1,613,270 alleles (0.0012%); highest among the groups gnomAD compares: Middle Eastern, 0.05%; no homozygotes.

Submission:

Mayo Clinic Laboratories, Mayo Clinic
Classification: Likely benign. Last evaluated: 2025-03-18. Review status: criteria provided, single submitter. Criteria: ACMG Guidelines, 2015. Collection method: clinical testing. Allele origin: germline. Observed: 1 variant allele.
Comment: BP4, BP7